The following is an entry in ClinVar:

NM_001365999.1(SZT2):c.3710G>A (p.Cys1237Tyr)

Gene: SZT2 (SZT2 subunit of KICSTOR complex; plus strand). Cytogenetic location: 1p34.2.
Variant type: single nucleotide variant.
Coding change: c.3710G>A on transcript NM_001365999.1 (MANE Select); coding-DNA position 3710, G replaced by A.
Protein change: p.Cys1237Tyr; replaces cysteine 1237 with tyrosine.
Molecular consequence: missense variant.
Genome position (GRCh38, 1-based): chr1:43,427,641, G>A. VCF-style: chr1-43427641-G-A. GRCh37 (hg19) VCF-style: chr1-43893312-G-A.
Other names: c.3539G>A, p.Cys1180Tyr (NM_015284.4); short protein forms C1237Y, C1180Y.
Identifiers: ClinVar variation 657560 (VCV000657560.4), dbSNP rs1570655248, ClinGen allele CA340018873.

ClinVar aggregate classification (germline): Uncertain significance (1 of 4 stars; one submission).

Allele frequency attached by ClinVar (database versions not stated): TOPMed below 0.00001.

Submission:

Labcorp Genetics (formerly Invitae), Labcorp
Classification: Uncertain significance. Last evaluated: 2021-09-19. Review status: criteria provided, single submitter. Criteria: Invitae Variant Classification Sherloc (09022015). Collection method: clinical testing. Allele origin: germline.
Comment: This sequence change replaces cysteine with tyrosine at codon 1180 of the SZT2 protein (p.Cys1180Tyr). The cysteine residue is highly conserved and there is a large physicochemical difference between cysteine and tyrosine. This variant is not present in population databases (ExAC no frequency). This variant has not been reported in the literature in individuals affected with SZT2-related conditions. Algorithms developed to predict the effect of missense changes on protein structure and function are either unavailable or do not agree on the potential impact of this missense change (SIFT: "Deleterious"; PolyPhen-2: "Probably Damaging"; Align-GVGD: "Class C0"). In summary, the available evidence is currently insufficient to determine the role of this variant in disease. Therefore, it has been classified as a Variant of Uncertain Significance.